The following is an entry in ClinVar:

ClinVar aggregate classification (germline): Uncertain significance (1 of 4 stars; one submission).

Conditions:
Insulin-dependent diabetes mellitus secretory diarrhea syndrome (IPEX). Also called: IPEX and IPEX-Like; DIABETES MELLITUS, CONGENITAL INSULIN-DEPENDENT, WITH FATAL SECRETORY DIARRHEA; DIARRHEA, POLYENDOCRINOPATHY, FATAL INFECTION SYNDROME, X-LINKED; ENTEROPATHY, AUTOIMMUNE, WITH HEMOLYTIC ANEMIA AND POLYENDOCRINOPATHY; IMMUNODEFICIENCY, POLYENDOCRINOPATHY, AND ENTEROPATHY, X-LINKED; Immune dysregulation-polyendocrinopathy-enteropathy-X-linked syndrome. Identifiers: Orphanet 37042, MedGen C0342288, MONDO:0010580, OMIM 304790. Disease mechanism: loss of function.

Submission:

Labcorp Genetics (formerly Invitae), Labcorp
Classification: Uncertain significance for Insulin-dependent diabetes mellitus secretory diarrhea syndrome. Last evaluated: 2025-07-22. Review status: criteria provided, single submitter. Criteria: Invitae Variant Classification Sherloc (09022015). Collection method: clinical testing. Allele origin: germline.
Comment: This sequence change replaces valine, which is neutral and non-polar, with isoleucine, which is neutral and non-polar, at codon 207 of the FOXP3 protein (p.Val207Ile). This variant is present in population databases (no rsID available, gnomAD 0.001%). This variant has not been reported in the literature in individuals affected with FOXP3-related conditions. ClinVar contains an entry for this variant (Variation ID: 2704260). Invitae Evidence Modeling of protein sequence and biophysical properties (such as structural, functional, and spatial information, amino acid conservation, physicochemical variation, residue mobility, and thermodynamic stability) indicates that this missense variant is not expected to disrupt FOXP3 protein function with a negative predictive value of 80%. In summary, the available evidence is currently insufficient to determine the role of this variant in disease. Therefore, it has been classified as a Variant of Uncertain Significance.

NM_014009.4(FOXP3):c.619G>A (p.Val207Ile)

Gene: FOXP3 (forkhead box P3; minus strand). Cytogenetic location: Xp11.23.
Variant type: single nucleotide variant.
Coding change: c.619G>A on transcript NM_014009.4 (MANE Select); coding-DNA position 619, G replaced by A.
Protein change: p.Val207Ile; replaces valine 207 with isoleucine.
Molecular consequence: missense variant.
Genome position (GRCh38, 1-based): chrX:49,256,779, C>T on the plus strand (G>A on the coding strand, the complement: FOXP3 is on the minus strand). VCF-style: chrX-49256779-C-T. GRCh37 (hg19) VCF-style: chrX-49113236-C-T.
Other names: c.514G>A, p.Val172Ile (NM_001114377.2); short protein forms V207I, V172I.
Identifiers: ClinVar variation 2704260 (VCV002704260.3), dbSNP rs1557116415, ClinGen allele CA412951331.
Genomic context (GRCh38, chrX:49,256,779, plus strand): 5'-CCGGTAGACTGGCACAGGCCTGGGCCACTCACTTGAGGAAGTCCTCTGGCTCTTCGAAGA[C>T]CTTCTCACATCCGGGCCACTTGCAGACACCATTTGCCAGCAGTGGGTAGGAGCTCTGGGG-3'
Protein context (NP_054728.2, residues 197-217): GVCKWPGCEK[Val207Ile]FEEPEDFLKH